The following is an entry in ClinVar:

NM_015135.3(NUP205):c.2906G>T (p.Gly969Val)

Gene: NUP205 (nucleoporin 205; plus strand). Cytogenetic location: 7q33.
Variant type: single nucleotide variant.
Coding change: c.2906G>T on transcript NM_015135.3 (MANE Select); coding-DNA position 2906, G replaced by T.
Protein change: p.Gly969Val; replaces glycine 969 with valine.
Molecular consequence: missense variant.
Genome position (GRCh38, 1-based): chr7:135,606,751, G>T. VCF-style: chr7-135606751-G-T. GRCh37 (hg19) VCF-style: chr7-135291499-G-T.
Other names: c.2906G>T (NM_015135.2); c.1832G>T, p.Gly611Val (NM_001329434.2); short protein forms G611V, G969V.
Identifiers: ClinVar variation 2072664 (VCV002072664.6), dbSNP rs147722934, ClinGen allele CA4498462.

ClinVar aggregate classification (germline): Uncertain significance. Review status: criteria provided, multiple submitters, no conflicts (2 of 4 stars). 3 submissions from 3 submitters: Uncertain significance (3). Last evaluated 2024-08-06.

Allele frequency attached by ClinVar (database versions not stated): ESP Exome Variant Server 0.00008; 1000 Genomes Project 30x 0.00016; 1000 Genomes Project 0.00020.
gnomAD v4.1: 62 of 1,612,536 alleles (0.0038%); highest among the groups gnomAD compares: Middle Eastern, 0.13%; no homozygotes.

Submissions (3):

Blueprint Genetics
Classification: Uncertain significance. Last evaluated: 2024-08-06. Review status: criteria provided, single submitter. Criteria: ACMG Guidelines, 2015. Collection method: clinical testing. Allele origin: germline.

Ambry Genetics
Classification: Uncertain significance. Last evaluated: 2024-02-26. Review status: criteria provided, single submitter. Criteria: Ambry Variant Classification Scheme 2023. Collection method: clinical testing. Allele origin: germline.

Labcorp Genetics (formerly Invitae), Labcorp
Classification: Uncertain significance. Last evaluated: 2023-10-28. Review status: criteria provided, single submitter. Criteria: Invitae Variant Classification Sherloc (09022015). Collection method: clinical testing. Allele origin: germline.
Comment: This sequence change replaces glycine, which is neutral and non-polar, with valine, which is neutral and non-polar, at codon 969 of the NUP205 protein (p.Gly969Val). This variant is present in population databases (rs147722934, gnomAD 0.009%). This variant has not been reported in the literature in individuals affected with NUP205-related conditions. ClinVar contains an entry for this variant (Variation ID: 2072664). An algorithm developed to predict the effect of missense changes on protein structure and function (PolyPhen-2) suggests that this variant is likely to be tolerated. Algorithms developed to predict the effect of sequence changes on RNA splicing suggest that this variant may disrupt the consensus splice site. In summary, the available evidence is currently insufficient to determine the role of this variant in disease. Therefore, it has been classified as a Variant of Uncertain Significance.